The following is an entry in ClinVar:

ClinVar aggregate classification (germline): Uncertain significance (1 of 4 stars; one submission).

gnomAD v4.1: 1 of 1,613,548 alleles (0.000062%); highest among the groups gnomAD compares: Non-Finnish European, 0.000085%; no homozygotes.

Submission:

GeneDx
Classification: Uncertain significance. Last evaluated: 2026-02-10. Review status: criteria provided, single submitter. Criteria: GeneDx Variant Classification Process June 2021. Collection method: clinical testing. Allele origin: germline.
Comment: Not observed at significant frequency in large population cohorts (gnomAD); In silico analysis suggests that this missense variant does not alter protein structure/function; Has not been previously published as pathogenic or benign to our knowledge

NM_014491.4(FOXP2):c.1873A>G (p.Ser625Gly)

Gene: FOXP2 (forkhead box P2; plus strand). Cytogenetic location: 7q31.1.
Variant type: single nucleotide variant.
Coding change: c.1873A>G on transcript NM_014491.4 (MANE Select); coding-DNA position 1873, A replaced by G.
Protein change: p.Ser625Gly; replaces serine 625 with glycine.
Molecular consequence: missense variant. On other transcripts: non-coding transcript variant (2).
Genome position (GRCh38, 1-based): chr7:114,664,306, A>G. VCF-style: chr7-114664306-A-G. GRCh37 (hg19) VCF-style: chr7-114304361-A-G.
Other names: c.1870A>G, p.Ser624Gly (NM_001172766.3); c.1948A>G, p.Ser650Gly (NM_148898.4); c.1924A>G, p.Ser642Gly (NM_148900.4); short protein forms S624G, S625G, S642G, S650G.
Identifiers: ClinVar variation 4976585 (VCV004976585.1).
Genomic context (GRCh38, chr7:114,664,306, plus strand): 5'-TGTTTTACACAATCTTCATTTCACTAGGCTGCCTTGGCAGAGAGCAGTTTACCTTTGCTA[A>G]GTAATCCTGGACTGATAAATAATGCATCCAGTGGCCTACTGCAGGCCGTCCACGAAGACC-3'
Protein context (NP_055306.1, residues 615-635): ALAESSLPLL[Ser625Gly]NPGLINNASS